The following is an entry in ClinVar:

NM_016529.6(ATP8A2):c.1003G>A (p.Ala335Thr)

Gene: ATP8A2 (ATPase phospholipid transporting 8A2). Cytogenetic location: 13q12.13.
Variant type: single nucleotide variant.
Coding change: c.1003G>A on transcript NM_016529.6 (MANE Select); coding-DNA position 1003, G replaced by A.
Protein change: p.Ala335Thr; replaces alanine 335 with threonine.
Molecular consequence: missense variant.
Genome position (GRCh38, 1-based): chr13:25,551,449, G>A. VCF-style: chr13-25551449-G-A. GRCh37 (hg19) VCF-style: chr13-26125587-G-A.
Other names: c.883G>A, p.Ala295Thr (NM_001313741.1); c.1003G>A, p.Ala335Thr (NM_001411005.1, NM_001411006.1); c.1003G>A (NM_016529.4); short protein forms A335T, A295T.
Identifiers: ClinVar variation 1991516 (VCV001991516.5), dbSNP rs1165709480, ClinGen allele CA387612852.
Genomic context (GRCh38, chr13:25,551,449, plus strand): 5'-GTGCAGATCCTGGTGTTGTTTGGCATCCTCTTGGTCATGGCCTTGGTGAGCTCGGCGGGG[G>A]CCCTGTACTGGAACAGGTCTCATGGTGAAAAGAACTGGTACATCAAGAAGATGGGTAAGT-3'
Protein context (NP_057613.4, residues 325-345): LVMALVSSAG[Ala335Thr]LYWNRSHGEK

ClinVar aggregate classification (germline): Uncertain significance. Review status: criteria provided, multiple submitters, no conflicts (2 of 4 stars). 2 submissions from 2 submitters: Uncertain significance (2). Last evaluated 2025-08-31.

Conditions:
Inborn genetic diseases. Identifiers: MedGen C0950123, MeSH D030342.

Allele frequency attached by ClinVar (database versions not stated): gnomAD 0.00001; TOPMed 0.00001.
gnomAD v4.1: 5 of 1,613,928 alleles (0.00031%); highest among the groups gnomAD compares: African/African-American, 0.0027%; no homozygotes.

Submissions (2):

Ambry Genetics
Classification: Uncertain significance for Inborn genetic diseases. Last evaluated: 2025-08-31. Review status: criteria provided, single submitter. Criteria: Ambry Variant Classification Scheme 2023. Collection method: clinical testing. Allele origin: germline.

Labcorp Genetics (formerly Invitae), Labcorp
Classification: Uncertain significance. Last evaluated: 2022-08-19. Review status: criteria provided, single submitter. Criteria: Invitae Variant Classification Sherloc (09022015). Collection method: clinical testing. Allele origin: germline.
Comment: Algorithms developed to predict the effect of missense changes on protein structure and function are either unavailable or do not agree on the potential impact of this missense change (SIFT: "Tolerated"; PolyPhen-2: "Possibly Damaging"; Align-GVGD: "Class C0"). In summary, the available evidence is currently insufficient to determine the role of this variant in disease. Therefore, it has been classified as a Variant of Uncertain Significance. This variant has not been reported in the literature in individuals affected with ATP8A2-related conditions. This variant is not present in population databases (gnomAD no frequency). This sequence change replaces alanine, which is neutral and non-polar, with threonine, which is neutral and polar, at codon 335 of the ATP8A2 protein (p.Ala335Thr).